The following is an entry in ClinVar:

ClinVar aggregate classification (germline): Likely pathogenic. Review status: criteria provided, single submitter (1 of 4 stars). 2 submissions from 2 submitters: Likely pathogenic (1). 1 of the submissions does not count toward it. Last evaluated 2024-01-29.

Conditions:
Usher syndrome type 1 (USH1). Also called: RETINITIS PIGMENTOSA AND CONGENITAL DEAFNESS. Identifiers: Orphanet 231169, Orphanet 886, MedGen C1568247, MONDO:0010168, OMIM 276900.

Submissions (2):

Labcorp Genetics (formerly Invitae), Labcorp
Classification: Likely pathogenic. Last evaluated: 2024-01-29. Review status: criteria provided, single submitter. Criteria: Invitae Variant Classification Sherloc (09022015). Collection method: clinical testing. Allele origin: germline.
Comment: This sequence change affects an acceptor splice site in intron 45 of the CDH23 gene. It is expected to disrupt RNA splicing. Variants that disrupt the donor or acceptor splice site typically lead to a loss of protein function (PMID: 16199547), and loss-of-function variants in CDH23 are known to be pathogenic (PMID: 11138009, 21940737). This variant is not present in population databases (gnomAD no frequency). Disruption of this splice site has been observed in individual(s) with deafness (PMID: 35982127). ClinVar contains an entry for this variant (Variation ID: 853133). Algorithms developed to predict the effect of sequence changes on RNA splicing suggest that this variant may disrupt the consensus splice site. In summary, the currently available evidence indicates that the variant is pathogenic, but additional data are needed to prove that conclusively. Therefore, this variant has been classified as Likely Pathogenic.

Natera, Inc.
Classification: Likely pathogenic for Usher syndrome type 1. Last evaluated: 2020-07-29. Review status: no assertion criteria provided. Collection method: clinical testing. Allele origin: germline. Not counted in ClinVar's aggregate classification.

Literature cited by the submitters: PubMed 16199547 (cited by Labcorp Genetics (formerly Invitae), Labcorp); PubMed 11138009 (cited by Labcorp Genetics (formerly Invitae), Labcorp); PubMed 21940737 (cited by Labcorp Genetics (formerly Invitae), Labcorp); PubMed 35982127 (cited by Labcorp Genetics (formerly Invitae), Labcorp).

NM_022124.6(CDH23):c.5924-1G>A

Gene: CDH23 (cadherin related 23; plus strand). Cytogenetic location: 10q22.1.
Variant type: single nucleotide variant.
Coding change: c.5924-1G>A on transcript NM_022124.6 (MANE Select); the canonical splice acceptor site of the intron before coding-DNA position 5924, G replaced by A.
Molecular consequence: splice acceptor variant.
Genome position (GRCh38, 1-based): chr10:71,790,287, G>A. VCF-style: chr10-71790287-G-A. GRCh37 (hg19) VCF-style: chr10-73550044-G-A.
Identifiers: ClinVar variation 853133 (VCV000853133.9), dbSNP rs1841212177, ClinGen allele CA377150339.
Genomic context (GRCh38, chr10:71,790,287, plus strand): 5'-GGGAGGTGGGAGGGCAGGGGGCTGGGTTGGTCTTGTGGTGACCCCTCTCCTTCTGGCCCA[G>A]GCACCCCTCTCACGGTGCTCAATGGGCCCATCCTGGCCCTGGATGCAGACCAAGACATCT-3'